The following is an entry in ClinVar:

NM_177438.3(DICER1):c.2928C>T (p.Tyr976=)

Gene: DICER1 (dicer 1, ribonuclease III; minus strand). Cytogenetic location: 14q32.13.
Variant type: single nucleotide variant.
Coding change: c.2928C>T on transcript NM_177438.3 (MANE Select); coding-DNA position 2928, C replaced by T.
Protein change: p.Tyr976=; no amino-acid change (tyrosine 976 retained).
Molecular consequence: synonymous variant.
Genome position (GRCh38, 1-based): chr14:95,106,100, G>A on the plus strand (C>T on the coding strand, the complement: DICER1 is on the minus strand). VCF-style: chr14-95106100-G-A. GRCh37 (hg19) VCF-style: chr14-95572437-G-A.
Other names: c.2928C>T, p.Tyr976= (NM_001195573.1, NM_001271282.3, NM_001291628.2 and 1 more transcripts); c.2928C>T (NM_177438.2).
Identifiers: ClinVar variation 1120353 (VCV001120353.19), dbSNP rs1891397547, ClinGen allele CA487844641.

ClinVar aggregate classification (germline): Benign/Likely benign. Review status: criteria provided, multiple submitters, no conflicts (2 of 4 stars). 4 submissions from 4 submitters: Benign (1); Likely benign (3). Last evaluated 2026-04-16.

Conditions:
DICER1-related tumor predisposition. Also called: DICER1-related pleuropulmonary blastoma cancer predisposition syndrome; DICER1 syndrome. Identifiers: Orphanet 284343, MedGen C3839822, MONDO:0100216.
Hereditary cancer-predisposing syndrome. Also called: Tumor predisposition; Hereditary neoplastic syndrome; Hereditary Cancer Syndrome; Neoplastic Syndromes, Hereditary. Identifiers: Orphanet 140162, MedGen C0027672, MeSH D009386, MONDO:0015356.

Allele frequency attached by ClinVar (database versions not stated): gnomAD exomes below 0.00001.
gnomAD v4.1: 2 of 1,614,176 alleles (0.00012%); highest among the groups gnomAD compares: Non-Finnish European, 0.00017%; no homozygotes.

Submissions (4):

Myriad Genetics, Inc.
Classification: Benign for DICER1-related tumor predisposition. Last evaluated: 2026-04-16. Review status: criteria provided, single submitter. Criteria: Myriad Autosomal Dominant, Autosomal Recessive and X-Linked Classification Criteria (2023). Collection method: clinical testing. Allele origin: unknown.
Comment: This variant is considered benign. This variant is a silent/synonymous amino acid change and it is not expected to impact splicing.

CeGaT Center for Human Genetics Tuebingen
Classification: Likely benign. Last evaluated: 2025-08-01. Review status: criteria provided, single submitter. Criteria: CeGaT Center For Human Genetics Tuebingen Variant Classification Criteria Version 2. Collection method: clinical testing. Allele origin: germline. Affected: yes. Observed: 1 variant allele.
Comment: DICER1: BP4, BP7

Labcorp Genetics (formerly Invitae), Labcorp
Classification: Likely benign for DICER1-related tumor predisposition. Last evaluated: 2025-05-19. Review status: criteria provided, single submitter. Criteria: Invitae Variant Classification Sherloc (09022015). Collection method: clinical testing. Allele origin: germline.

Ambry Genetics
Classification: Likely benign for Hereditary cancer-predisposing syndrome. Last evaluated: 2023-02-27. Review status: criteria provided, single submitter. Criteria: Ambry Variant Classification Scheme 2023. Collection method: clinical testing. Allele origin: germline.